The following is an entry in ClinVar:

ClinVar aggregate classification (germline): Uncertain significance (1 of 4 stars; one submission).

Conditions:
Familial adenomatous polyposis 1 (FAP1). Also called: FAMILIAL ADENOMATOUS POLYPOSIS 1, ATTENUATED; POLYPOSIS, ADENOMATOUS INTESTINAL. Identifiers: MedGen C2713442, MONDO:0021056, OMIM 175100. Disease mechanism: loss of function.

Submission:

Labcorp Genetics (formerly Invitae), Labcorp
Classification: Uncertain significance for Familial adenomatous polyposis 1. Last evaluated: 2024-11-28. Review status: criteria provided, single submitter. Criteria: Invitae Variant Classification Sherloc (09022015). Collection method: clinical testing. Allele origin: germline.
Comment: This variant occurs in a non-coding region of the APC gene. It does not change the encoded amino acid sequence of the APC protein. This variant is not present in population databases (gnomAD no frequency). This variant has not been reported in the literature in individuals affected with APC-related conditions. Experimental studies and prediction algorithms are not available or were not evaluated, and the functional significance of this variant is currently unknown. In summary, the available evidence is currently insufficient to determine the role of this variant in disease. Therefore, it has been classified as a Variant of Uncertain Significance.

NM_001127511.3(APC):c.-185A>T

Genes: APC (APC regulator of Wnt signaling pathway; plus strand), LOC129994371 (ATAC-STARR-seq lymphoblastoid active region 22910; plus strand). Cytogenetic location: 5q22.2.
Variant type: single nucleotide variant.
Coding change: c.-185A>T on transcript NM_001127511.3; 185 bases upstream of the start codon, A replaced by T.
Molecular consequence: 5 prime UTR variant. On other transcripts: non-coding transcript variant (2).
Genome position (GRCh38, 1-based): chr5:112,707,533, A>T. VCF-style: chr5-112707533-A-T. GRCh37 (hg19) VCF-style: chr5-112043230-A-T.
Other names: c.-368A>T (NM_001354895.2, NM_001407447.1, NM_001407452.1 and 3 more transcripts); c.-185A>T (NM_001354897.2, NM_001354902.2, NM_001407446.1); c.-135A>T (NM_001407448.1, NM_001407450.1, NM_001407457.1 and 1 more transcripts); c.-159A>T (NM_001407453.1); c.-1403A>T (NM_001407470.1, NM_001407472.1).
Identifiers: ClinVar variation 3726347 (VCV003726347.2).